The following is an entry in ClinVar:

NM_000834.5(GRIN2B):c.2084T>C (p.Ile695Thr)

Gene: GRIN2B (glutamate ionotropic receptor NMDA type subunit 2B; minus strand). Cytogenetic location: 12p13.1.
Variant type: single nucleotide variant.
Coding change: c.2084T>C on transcript NM_000834.5 (MANE Select); coding-DNA position 2084, T replaced by C.
Protein change: p.Ile695Thr; replaces isoleucine 695 with threonine.
Molecular consequence: missense variant.
Genome position (GRCh38, 1-based): chr12:13,571,891, A>G on the plus strand (T>C on the coding strand, the complement: GRIN2B is on the minus strand). VCF-style: chr12-13571891-A-G. GRCh37 (hg19) VCF-style: chr12-13724825-A-G.
Other names: short protein forms I695T.
Identifiers: ClinVar variation 234790 (VCV000234790.6), dbSNP rs876661219, ClinGen allele CA10577446.

ClinVar aggregate classification (germline): Pathogenic/Likely pathogenic. Review status: criteria provided, multiple submitters, no conflicts (2 of 4 stars). 3 submissions from 3 submitters: Pathogenic (1); Likely pathogenic (1). 1 of the submissions does not count toward it. Last evaluated 2021-03-15.

Conditions:
Ataxia. Identifiers: MedGen C0004134, HP:0001251.
intellectual deficiency. Identifiers: MedGen CN228659.
Intellectual developmental disorder, autosomal dominant 6, with or without seizures. Also called: Intellectual disability, autosomal dominant 6; GRIN2B-related developmental delay, intellectual disability and autism spectrum disorder. Identifiers: Orphanet 589547, MedGen C3151411, MONDO:0013509, OMIM 613970.

Submissions (3):

GeneDx
Classification: Pathogenic. Last evaluated: 2021-03-15. Review status: criteria provided, single submitter. Criteria: GeneDx Variant Classification Process June 2021. Collection method: clinical testing. Allele origin: germline. Affected: yes.
Comment: Not observed in large population cohorts (Lek et al., 2016); In silico analysis supports that this missense variant has a deleterious effect on protein structure/function; This variant is associated with the following publications: (PMID: 28377535, 32144935)

Institute of Human Genetics, University of Leipzig Medical Center
Classification: Likely pathogenic for Intellectual developmental disorder, autosomal dominant 6, with or without seizures. Last evaluated: 2017-04-04. Review status: criteria provided, single submitter. Criteria: ACMG Guidelines, 2015. Collection method: clinical testing. Allele origin: de novo. Affected: yes.
Comment: This variant was identified as de novo (maternity and paternity confirmed).

Laboratory of Molecular Genetics, CHU Rennes
Classification: Likely pathogenic for Ataxia; intellectual deficiency. Review status: no assertion criteria provided. Collection method: clinical testing. Allele origin: de novo. Affected: yes. Not counted in ClinVar's aggregate classification.

Literature cited by the submitters: PubMed 28377535 (cited by Institute of Human Genetics, University of Leipzig Medical Center).